The following is an entry in ClinVar:

ClinVar aggregate classification (germline): Pathogenic (1 of 4 stars; one submission).

Conditions:
Hereditary cancer-predisposing syndrome. Also called: Tumor predisposition; Hereditary Cancer Syndrome; Hereditary neoplastic syndrome; Neoplastic Syndromes, Hereditary. Identifiers: Orphanet 140162, MedGen C0027672, MeSH D009386, MONDO:0015356.

Submission:

Ambry Genetics
Classification: Pathogenic for Hereditary cancer-predisposing syndrome. Last evaluated: 2017-07-06. Review status: criteria provided, single submitter. Criteria: Ambry Variant Classification Scheme 2023. Collection method: clinical testing. Allele origin: germline.
Comment: The c.1421+1delG intronic variant, located in intron 15 of the RB1 gene, results from a deletion of the first nucleotide in intron 15 of the RB1 gene. Alterations that disrupt the canonical splice site are expected to cause aberrant splicing, resulting in an abnormal protein or a transcript that is subject to nonsense-mediated mRNA decay. As such, this alteration is classified as a disease-causing mutation.

NM_000321.3(RB1):c.1421+1del

Gene: RB1 (RB transcriptional corepressor 1; plus strand). Cytogenetic location: 13q14.2.
Variant type: Deletion.
Coding change: c.1421+1del on transcript NM_000321.3 (MANE Select); the canonical splice donor site of the intron after coding-DNA position 1421, one base deleted (G; older notation c.1421+1delG).
Molecular consequence: splice donor variant.
Genome position (GRCh38, 1-based): chr13:48,380,085, G deleted; the last of 2 consecutive G bases (chr13:48,380,084-48,380,085); deleting either gives the same sequence. VCF-style (leftmost placement, unchanged base first): chr13-48380083-AG-A. GRCh37 (hg19) VCF-style: chr13-48954219-AG-A.
Other names: c.1421+1delG (NM_000321.2); c.1421+1del (NM_001407165.1, NM_001407166.1).
Identifiers: ClinVar variation 486293 (VCV000486293.5), dbSNP rs1555286576, ClinGen allele CA658656366.